The following is an entry in ClinVar:

ClinVar aggregate classification (germline): Likely pathogenic (1 of 4 stars; one submission).

Submission:

Labcorp Genetics (formerly Invitae), Labcorp
Classification: Likely pathogenic. Last evaluated: 2020-06-23. Review status: criteria provided, single submitter. Criteria: Invitae Variant Classification Sherloc (09022015). Collection method: clinical testing. Allele origin: germline.
Comment: Glycine residues within the Gly-Xaa-Yaa repeats of the triple helix domain are required for the structure and stability of fibrillar collagens (PMID: 7695699, 8218237, 19344236). In COL4A5, variants affecting these glycine residues are significantly enriched in individuals with disease (PMID: 9016532, 17078022) compared to the general population (ExAC). In summary, the currently available evidence indicates that the variant is pathogenic, but additional data are needed to prove that conclusively. Therefore, this variant has been classified as Likely Pathogenic. This variant disrupts the p.Gly772 amino acid residue in COL4A5. Other variant(s) that disrupt this residue have been observed in individuals with COL4A5-related conditions (PMID: 8648925, which suggests that this may be a clinically significant amino acid residue. This variant has been observed in individual(s) with X-linked Alport syndrome (PMID: 20378821). ClinVar contains an entry for this variant (Variation ID: 24507). This variant is not present in population databases (ExAC no frequency). This sequence change replaces glycine with alanine at codon 772 of the COL4A5 protein (p.Gly772Ala). The glycine residue is highly conserved and there is a small physicochemical difference between glycine and alanine.

Literature cited by the submitters: PubMed 7695699; PubMed 8218237; PubMed 19344236; PubMed 9016532; PubMed 17078022; PubMed 8648925; PubMed 20378821.

NM_033380.3(COL4A5):c.2315G>C (p.Gly772Ala)

Gene: COL4A5 (collagen type IV alpha 5 chain; plus strand). Cytogenetic location: Xq22.3.
Variant type: single nucleotide variant.
Coding change: c.2315G>C on transcript NM_033380.3 (MANE Select); coding-DNA position 2315, G replaced by C.
Protein change: p.Gly772Ala; replaces glycine 772 with alanine.
Molecular consequence: missense variant.
Genome position (GRCh38, 1-based): chrX:108,606,812, G>C. VCF-style: chrX-108606812-G-C. GRCh37 (hg19) VCF-style: chrX-107850042-G-C.
Other names: c.2315G>C, p.Gly772Ala (NM_000495.5); short protein forms G772A.
Identifiers: ClinVar variation 24507 (VCV000024507.10), dbSNP rs104886173, ClinGen allele CA258658.